The following is an entry in ClinVar:

NM_001370259.2(MEN1):c.1370T>C (p.Ile457Thr)

Gene: MEN1 (menin 1; minus strand). Cytogenetic location: 11q13.1.
Variant type: single nucleotide variant.
Coding change: c.1370T>C on transcript NM_001370259.2 (MANE Select); coding-DNA position 1370, T replaced by C.
Protein change: p.Ile457Thr; replaces isoleucine 457 with threonine.
Molecular consequence: missense variant. On other transcripts: non-coding transcript variant (4).
Genome position (GRCh38, 1-based): chr11:64,804,797, A>G on the plus strand (T>C on the coding strand, the complement: MEN1 is on the minus strand). VCF-style: chr11-64804797-A-G. GRCh37 (hg19) VCF-style: chr11-64572269-A-G.
Other names: c.1496T>C, p.Ile499Thr (NM_001407142.1, NM_001407143.1, NM_001407144.1 and 1 more transcripts); c.1385T>C, p.Ile462Thr (NM_001407145.1, NM_000244.4, NM_130800.3 and 4 more transcripts); c.1370T>C, p.Ile457Thr (NM_001407146.1, NM_001407147.1, NM_001370260.2 and 2 more transcripts); c.1265T>C, p.Ile422Thr (NM_001407148.1, NM_001407149.1, NM_001370262.2 and 1 more transcripts); c.1511T>C, p.Ile504Thr (NM_001407150.1); c.1391T>C, p.Ile464Thr (NM_001407151.1); c.1205T>C, p.Ile402Thr (NM_001407152.1); short protein forms I402T, I462T, I464T, I499T, I422T, I457T, I504T.
Identifiers: ClinVar variation 3703735 (VCV003703735.2).

ClinVar aggregate classification (germline): Uncertain significance (1 of 4 stars; one submission).

Conditions:
Multiple endocrine neoplasia, type 1 (MEN1). Also called: MEN I; WERMER SYNDROME; Endocrine adenomatosis multiple; MEN 1; MEA I. Identifiers: Orphanet 652, MedGen C0025267, MeSH D018761, MONDO:0007540, OMIM 131100.

Submission:

Labcorp Genetics (formerly Invitae), Labcorp
Classification: Uncertain significance for Multiple endocrine neoplasia, type 1. Last evaluated: 2024-11-22. Review status: criteria provided, single submitter. Criteria: Invitae Variant Classification Sherloc (09022015). Collection method: clinical testing. Allele origin: germline.
Comment: This sequence change replaces isoleucine, which is neutral and non-polar, with threonine, which is neutral and polar, at codon 457 of the MEN1 protein (p.Ile457Thr). This variant is present in population databases (no rsID available, gnomAD 0.01%). This variant has not been reported in the literature in individuals affected with MEN1-related conditions. Invitae Evidence Modeling of protein sequence and biophysical properties (such as structural, functional, and spatial information, amino acid conservation, physicochemical variation, residue mobility, and thermodynamic stability) has been performed for this missense variant. However, the output from this modeling did not meet the statistical confidence thresholds required to predict the impact of this variant on MEN1 protein function. In summary, the available evidence is currently insufficient to determine the role of this variant in disease. Therefore, it has been classified as a Variant of Uncertain Significance.